The following is an entry in ClinVar:

ClinVar aggregate classification (germline): Uncertain significance. Review status: criteria provided, multiple submitters, no conflicts (2 of 4 stars). 2 submissions from 2 submitters: Uncertain significance (2). Last evaluated 2024-12-09.

Conditions:
Cardiovascular phenotype. Identifiers: MedGen CN230736.
Myofibrillar myopathy 4. Also called: Zaspopathy (type). Identifiers: Orphanet 98912, MedGen C4721886, MONDO:0012277, OMIM 609452.

Allele frequency attached by ClinVar (database versions not stated): TOPMed below 0.00001; ExAC 0.00001; gnomAD 0.00001; gnomAD exomes 0.00001.
gnomAD v4.1: 11 of 1,613,056 alleles (0.00068%); highest among the groups gnomAD compares: Admixed American, 0.0017%; no homozygotes.

Submissions (2):

Ambry Genetics
Classification: Uncertain significance for Cardiovascular phenotype. Last evaluated: 2024-12-09. Review status: criteria provided, single submitter. Criteria: Ambry Variant Classification Scheme 2023. Collection method: clinical testing. Allele origin: germline.
Comment: The p.R396Q variant (also known as c.1187G>A), located in coding exon 8 of the LDB3 gene, results from a G to A substitution at nucleotide position 1187. The arginine at codon 396 is replaced by glutamine, an amino acid with highly similar properties. This amino acid position is conserved. In addition, the in silico prediction for this alteration is inconclusive. Based on the available evidence, the clinical significance of this variant remains unclear.

Labcorp Genetics (formerly Invitae), Labcorp
Classification: Uncertain significance for Myofibrillar myopathy 4. Last evaluated: 2022-02-23. Review status: criteria provided, single submitter. Criteria: Invitae Variant Classification Sherloc (09022015). Collection method: clinical testing. Allele origin: germline.
Comment: In summary, the available evidence is currently insufficient to determine the role of this variant in disease. Therefore, it has been classified as a Variant of Uncertain Significance. Experimental studies and prediction algorithms are not available or were not evaluated, and the functional significance of this variant is currently unknown. This variant has not been reported in the literature in individuals affected with LDB3-related conditions. This variant is present in population databases (rs770387774, gnomAD 0.003%). This sequence change replaces arginine, which is basic and polar, with glutamine, which is neutral and polar, at codon 396 of the LDB3 protein (p.Arg396Gln). The LDB3 gene has multiple clinically relevant transcripts. This variant occurs in alternate transcript NM_007078.3, and corresponds to NM_001080116.1:c.*10632G>A in the primary transcript.

NM_007078.3(LDB3):c.1187G>A (p.Arg396Gln)

Gene: LDB3 (LIM domain binding 3; plus strand). Cytogenetic location: 10q23.2.
Variant type: single nucleotide variant.
Coding change: c.1187G>A on transcript NM_007078.3 (MANE Select); coding-DNA position 1187, G replaced by A.
Protein change: p.Arg396Gln; replaces arginine 396 with glutamine.
Molecular consequence: missense variant.
Genome position (GRCh38, 1-based): chr10:86,710,006, G>A. VCF-style: chr10-86710006-G-A. GRCh37 (hg19) VCF-style: chr10-88469763-G-A.
Other names: c.857G>A, p.Arg286Gln (NM_001080114.2); c.1202G>A, p.Arg401Gln (NM_001171610.2); c.998G>A, p.Arg333Gln (NM_001368064.1, NM_001368065.1); c.1046G>A, p.Arg349Gln (NM_001368066.1); short protein forms R396Q, R333Q, R401Q, R286Q, R349Q.
Identifiers: ClinVar variation 1953068 (VCV001953068.6), dbSNP rs770387774, ClinGen allele CA5585074.